The following is an entry in ClinVar:

NM_005121.3(MED13):c.4524T>C (p.Ser1508=)

Gene: MED13 (mediator complex subunit 13; minus strand). Cytogenetic location: 17q23.2.
Variant type: single nucleotide variant.
Coding change: c.4524T>C on transcript NM_005121.3 (MANE Select); coding-DNA position 4524, T replaced by C.
Protein change: p.Ser1508=; no amino-acid change (serine 1508 retained).
Molecular consequence: synonymous variant.
Genome position (GRCh38, 1-based): chr17:61,965,326, A>G on the plus strand (T>C on the coding strand, the complement: MED13 is on the minus strand). VCF-style: chr17-61965326-A-G. GRCh37 (hg19) VCF-style: chr17-60042687-A-G.
Identifiers: ClinVar variation 1710451 (VCV001710451.3), dbSNP rs2509243152, ClinGen allele CA501336302.

ClinVar aggregate classification (germline): Uncertain significance (1 of 4 stars; one submission).

Submission:

Greenwood Genetic Center Diagnostic Laboratories, Greenwood Genetic Center
Classification: Uncertain significance. Last evaluated: 2022-07-26. Review status: criteria provided, single submitter. Criteria: ACMG Guidelines, 2015. Collection method: clinical testing. Allele origin: germline. Affected: yes.
Comment: PM2